The following is an entry in ClinVar:

ClinVar aggregate classification (germline): Uncertain significance (1 of 4 stars; one submission).

Submission:

GeneDx
Classification: Uncertain significance. Last evaluated: 2025-04-25. Review status: criteria provided, single submitter. Criteria: GeneDx Variant Classification Process June 2021. Collection method: clinical testing. Allele origin: germline. Affected: yes.
Comment: Not observed at significant frequency in large population cohorts (gnomAD); In silico analysis supports that this missense variant has a deleterious effect on protein structure/function; Has not been previously published as pathogenic or benign to our knowledge

NM_031407.7(HUWE1):c.9259C>G (p.Pro3087Ala)

Gene: HUWE1 (HECT, UBA and WWE domain containing E3 ubiquitin protein ligase 1; minus strand). Cytogenetic location: Xp11.22.
Variant type: single nucleotide variant.
Coding change: c.9259C>G on transcript NM_031407.7 (MANE Select); coding-DNA position 9259, C replaced by G.
Protein change: p.Pro3087Ala; replaces proline 3087 with alanine.
Molecular consequence: missense variant.
Genome position (GRCh38, 1-based): chrX:53,551,027, G>C on the plus strand (C>G on the coding strand, the complement: HUWE1 is on the minus strand). VCF-style: chrX-53551027-G-C. GRCh37 (hg19) VCF-style: chrX-53577988-G-C.
Other names: c.9256C>G, p.Pro3086Ala (NM_001441048.1, NM_001441051.1, NM_001441053.1 and 2 more transcripts); c.9259C>G, p.Pro3087Ala (NM_001441049.1, NM_001441054.1, NM_001441057.1); c.9280C>G, p.Pro3094Ala (NM_001441050.1, NM_001441055.1); c.8857C>G, p.Pro2953Ala (NM_001441052.1); short protein forms P2953A, P3086A, P3087A, P3094A.
Identifiers: ClinVar variation 4527647 (VCV004527647.1).